The following is an entry in ClinVar:

NM_003470.3(USP7):c.852-4A>G

Gene: USP7 (ubiquitin specific peptidase 7; minus strand). Cytogenetic location: 16p13.2.
Variant type: single nucleotide variant.
Coding change: c.852-4A>G on transcript NM_003470.3 (MANE Select); 4 bases into the intron before coding-DNA position 852, A replaced by G.
Molecular consequence: intron variant.
Genome position (GRCh38, 1-based): chr16:8,916,560, T>C on the plus strand (A>G on the coding strand, the complement: USP7 is on the minus strand). VCF-style: chr16-8916560-T-C. GRCh37 (hg19) VCF-style: chr16-9010417-T-C.
Other names: c.678-4A>G (NM_001321858.2); c.804-4A>G (NM_001286457.2); c.555-4A>G (NM_001286458.2).
Identifiers: ClinVar variation 1696735 (VCV001696735.6), dbSNP rs1264253074, ClinGen allele CA620763871.

ClinVar aggregate classification (germline): Uncertain significance. Review status: criteria provided, multiple submitters, no conflicts (2 of 4 stars). 2 submissions from 2 submitters: Uncertain significance (2). Last evaluated 2022-09-01.

Conditions:
Hao-Fountain syndrome (HAFOUS). Identifiers: Orphanet 643549, MedGen C5393908, MONDO:0014805.

Allele frequency attached by ClinVar (database versions not stated): gnomAD exomes below 0.00001 and 0.00001.
gnomAD v4.1: 11 of 1,586,814 alleles (0.00069%); highest among the groups gnomAD compares: Middle Eastern, 0.05%; no homozygotes.

Submissions (2):

Labcorp Genetics (formerly Invitae), Labcorp
Classification: Uncertain significance. Last evaluated: 2022-09-01. Review status: criteria provided, single submitter. Criteria: Invitae Variant Classification Sherloc (09022015). Collection method: clinical testing. Allele origin: germline.
Comment: This variant has not been reported in the literature in individuals affected with USP7-related conditions. This variant is present in population databases (no rsID available, gnomAD 0.001%). This sequence change falls in intron 7 of the USP7 gene. It does not directly change the encoded amino acid sequence of the USP7 protein. ClinVar contains an entry for this variant (Variation ID: 1696735). In summary, the available evidence is currently insufficient to determine the role of this variant in disease. Therefore, it has been classified as a Variant of Uncertain Significance. Algorithms developed to predict the effect of sequence changes on RNA splicing suggest that this variant may disrupt the consensus splice site.

New York Genome Center
Classification: Uncertain significance for Hao-Fountain syndrome due to USP7 mutation. Last evaluated: 2021-06-11. Review status: criteria provided, single submitter. Criteria: NYGC Assertion Criteria 2020. Collection method: clinical testing. Allele origin: inherited. Observed: 1 heterozygote. Study: CSER-NYCKidSeq.